The following is an entry in ClinVar:

ClinVar aggregate classification (germline): Likely benign (0 of 4 stars; one submission).

Conditions:
ZBTB16-related disorder. Also called: ZBTB16-related condition.

Allele frequency attached by ClinVar (database versions not stated): ExAC 0.00002; TOPMed 0.00002; gnomAD 0.00004; ESP Exome Variant Server 0.00008.
gnomAD v4.1: 18 of 1,613,996 alleles (0.0011%); highest among the groups gnomAD compares: Middle Eastern, 0.016%; no homozygotes.

Submission:

PreventionGenetics, part of Exact Sciences
Classification: Likely benign for ZBTB16-related condition. Last evaluated: 2019-03-20. Review status: no assertion criteria provided. Collection method: clinical testing. Allele origin: germline.
Comment: This variant is classified as likely benign based on ACMG/AMP sequence variant interpretation guidelines (Richards et al. 2015 PMID: 25741868, with internal and published modifications).

NM_006006.6(ZBTB16):c.1029C>T (p.Asp343=)

Gene: ZBTB16 (zinc finger and BTB domain containing 16; plus strand). Cytogenetic location: 11q23.2.
Variant type: single nucleotide variant.
Coding change: c.1029C>T on transcript NM_006006.6 (MANE Select); coding-DNA position 1029, C replaced by T.
Protein change: p.Asp343=; no amino-acid change (aspartic acid 343 retained).
Molecular consequence: synonymous variant.
Genome position (GRCh38, 1-based): chr11:114,064,329, C>T. VCF-style: chr11-114064329-C-T. GRCh37 (hg19) VCF-style: chr11-113935051-C-T.
Other names: c.1029C>T, p.Asp343= (NM_001018011.3, NM_001354750.2, NM_001354751.2 and 1 more transcripts).
Identifiers: ClinVar variation 3047741 (VCV003047741.2), dbSNP rs145655784, ClinGen allele CA6285117.
Genomic context (GRCh38, chr11:114,064,329, plus strand): 5'-AGCACCCCCGCCTGAGAAGCATCTGGGCATCTACTCCGTGTTGCCCAACCACAAGGCTGA[C>T]GCTGTATTGAGCATGCCGTCTTCCGTGACCTCTGGCCTCCACGTGCAGCCTGCCCTGGCT-3'
Protein context (NP_005997.2, residues 333-353): IYSVLPNHKA[Asp343=]AVLSMPSSVT